The following is an entry in ClinVar:

ClinVar aggregate classification (germline): Uncertain significance (1 of 4 stars; one submission).

Conditions:
Acute myeloid leukemia (AML). Also called: Acute myeloid leukemia, adult; AML adult; Acute non-lymphocytic leukemia; Acute granulocytic leukemia; Leukemia, acute myelogenous, somatic; Leukemia, acute myeloid, somatic. Identifiers: Orphanet 519, MedGen C0023467, MeSH D015470, MONDO:0018874, OMIM 601626, HP:0004808. Disease mechanism: Constitutively activated FLT3.

Allele frequency attached by ClinVar (database versions not stated): gnomAD exomes below 0.00001.
gnomAD v4.1: 3 of 1,312,442 alleles (0.00023%); highest among the groups gnomAD compares: African/African-American, 0.0016%; no homozygotes.

Submission:

Labcorp Genetics (formerly Invitae), Labcorp
Classification: Uncertain significance for Acute myeloid leukemia. Last evaluated: 2022-10-25. Review status: criteria provided, single submitter. Criteria: Invitae Variant Classification Sherloc (09022015). Collection method: clinical testing. Allele origin: germline.
Comment: This sequence change replaces proline, which is neutral and non-polar, with glutamine, which is neutral and polar, at codon 188 of the CEBPA protein (p.Pro188Gln). This variant is not present in population databases (gnomAD no frequency). This variant has not been reported in the literature in individuals affected with CEBPA-related conditions. ClinVar contains an entry for this variant (Variation ID: 1007795). Algorithms developed to predict the effect of missense changes on protein structure and function are either unavailable or do not agree on the potential impact of this missense change (SIFT: "Tolerated"; PolyPhen-2: "Possibly Damaging"; Align-GVGD: "Class C0"). In summary, the available evidence is currently insufficient to determine the role of this variant in disease. Therefore, it has been classified as a Variant of Uncertain Significance.

NM_004364.5(CEBPA):c.563C>A (p.Pro188Gln)

Gene: CEBPA (CCAAT enhancer binding protein alpha; minus strand). Cytogenetic location: 19q13.11.
Variant type: single nucleotide variant.
Coding change: c.563C>A on transcript NM_004364.5 (MANE Select); coding-DNA position 563, C replaced by A.
Protein change: p.Pro188Gln; replaces proline 188 with glutamine.
Molecular consequence: missense variant.
Genome position (GRCh38, 1-based): chr19:33,301,852, G>T on the plus strand (C>A on the coding strand, the complement: CEBPA is on the minus strand). VCF-style: chr19-33301852-G-T. GRCh37 (hg19) VCF-style: chr19-33792758-G-T.
Other names: c.206C>A, p.Pro69Gln (NM_001285829.2); c.668C>A, p.Pro223Gln (NM_001287424.2); c.521C>A, p.Pro174Gln (NM_001287435.2); short protein forms P174Q, P188Q, P223Q, P69Q.
Identifiers: ClinVar variation 1007795 (VCV001007795.9), dbSNP rs1568419813, ClinGen allele CA405274685.